The following is an entry in ClinVar:

ClinVar aggregate classification (germline): Uncertain significance (1 of 4 stars; one submission).

Conditions:
Hereditary cancer-predisposing syndrome. Also called: Hereditary Cancer Syndrome; Hereditary neoplastic syndrome; Neoplastic Syndromes, Hereditary; Tumor predisposition. Identifiers: Orphanet 140162, MedGen C0027672, MeSH D009386, MONDO:0015356.

Submission:

Ambry Genetics
Classification: Uncertain significance for Hereditary cancer-predisposing syndrome. Last evaluated: 2020-07-06. Review status: criteria provided, single submitter. Criteria: Ambry Variant Classification Scheme 2023. Collection method: clinical testing. Allele origin: germline.
Comment: The p.D394V variant (also known as c.1181A>T), located in coding exon 12 of the RB1 gene, results from an A to T substitution at nucleotide position 1181. The aspartic acid at codon 394 is replaced by valine, an amino acid with highly dissimilar properties. This amino acid position is highly conserved in available vertebrate species. In addition, this alteration is predicted to be deleterious by in silico analysis. Since supporting evidence is limited at this time, the clinical significance of this alteration remains unclear.

NM_000321.3(RB1):c.1181A>T (p.Asp394Val)

Gene: RB1 (RB transcriptional corepressor 1; plus strand). Cytogenetic location: 13q14.2.
Variant type: single nucleotide variant.
Coding change: c.1181A>T on transcript NM_000321.3 (MANE Select); coding-DNA position 1181, A replaced by T.
Protein change: p.Asp394Val; replaces aspartic acid 394 with valine.
Molecular consequence: missense variant.
Genome position (GRCh38, 1-based): chr13:48,373,458, A>T. VCF-style: chr13-48373458-A-T. GRCh37 (hg19) VCF-style: chr13-48947594-A-T.
Other names: c.1181A>T, p.Asp394Val (NM_001407165.1, NM_001407166.1); short protein forms D394V.
Identifiers: ClinVar variation 1742278 (VCV001742278.2), dbSNP rs2542195015, ClinGen allele CA388161572.
Genomic context (GRCh38, chr13:48,373,458, plus strand): 5'-CCTCTAGGACTGTTATGAACACTATCCAACAATTAATGATGATTTTAAATTCAGCAAGTG[A>T]TCAACCTTCAGAAAATCTGATTTCCTATTTTAACGTAAGCCATATATGAAACATTATTTA-3'
Protein context (NP_000312.2, residues 384-404): QLMMILNSAS[Asp394Val]QPSENLISYF